The following is an entry in ClinVar:

ClinVar aggregate classification (germline): Likely benign (1 of 4 stars; one submission).

Allele frequency attached by ClinVar (database versions not stated): 1000 Genomes Project 0.00339; 1000 Genomes Project 30x 0.00344; ESP Exome Variant Server 0.00421; TOPMed 0.00470; gnomAD 0.00515; gnomAD exomes 0.00783; ExAC 0.00977.
gnomAD v4.1: 12,169 of 1,602,022 alleles (0.76%); highest among the groups gnomAD compares: Non-Finnish European, 0.88%; 76 homozygotes.

Submission:

CeGaT Center for Human Genetics Tuebingen
Classification: Likely benign. Last evaluated: 2022-07-01. Review status: criteria provided, single submitter. Criteria: CeGaT Center For Human Genetics Tuebingen Variant Classification Criteria Version 2. Collection method: clinical testing. Allele origin: germline. Affected: yes. Observed: 1 variant allele.
Comment: TEKT4: BP4, BP7

NM_144705.4(TEKT4):c.6G>A (p.Ala2=)

Genes: TEKT4 (tektin 4; plus strand), LOC442028 (uncharacterized LOC442028; minus strand). Cytogenetic location: 2q11.1.
Variant type: single nucleotide variant.
Coding change: c.6G>A on transcript NM_144705.4 (MANE Select); coding-DNA position 6, G replaced by A.
Protein change: p.Ala2=; no amino-acid change (alanine 2 retained).
Molecular consequence: synonymous variant. On other transcripts: 5 prime UTR variant (1).
Genome position (GRCh38, 1-based): chr2:94,871,585, G>A. VCF-style: chr2-94871585-G-A. GRCh37 (hg19) VCF-style: chr2-95537330-G-A.
Other names: c.-1244G>A (NM_001286559.2).
Identifiers: ClinVar variation 2651113 (VCV002651113.24), dbSNP rs140196891, ClinGen allele CA1768973.